The following is an entry in ClinVar:

ClinVar aggregate classification (germline): Uncertain significance (1 of 4 stars; one submission).

Submission:

Ambry Genetics
Classification: Uncertain significance. Last evaluated: 2022-09-16. Review status: criteria provided, single submitter. Criteria: Ambry Variant Classification Scheme 2023. Collection method: clinical testing. Allele origin: germline.
Comment: The p.D877E variant (also known as c.2631T>G), located in coding exon 24 of the PRKDC gene, results from a T to G substitution at nucleotide position 2631. The aspartic acid at codon 877 is replaced by glutamic acid, an amino acid with highly similar properties. This amino acid position is conserved. In addition, this alteration is predicted to be tolerated by in silico analysis. Since supporting evidence is limited at this time, the clinical significance of this alteration remains unclear.

NM_006904.7(PRKDC):c.2631T>G (p.Asp877Glu)

Gene: PRKDC (protein kinase, DNA-activated, catalytic subunit; minus strand). Cytogenetic location: 8q11.21.
Variant type: single nucleotide variant.
Coding change: c.2631T>G on transcript NM_006904.7 (MANE Select); coding-DNA position 2631, T replaced by G.
Protein change: p.Asp877Glu; replaces aspartic acid 877 with glutamic acid.
Molecular consequence: missense variant.
Genome position (GRCh38, 1-based): chr8:47,914,051, A>C on the plus strand (T>G on the coding strand, the complement: PRKDC is on the minus strand). VCF-style: chr8-47914051-A-C. GRCh37 (hg19) VCF-style: chr8-48826611-A-C.
Other names: c.2631T>G, p.Asp877Glu (NM_001081640.2); short protein forms D877E.
Identifiers: ClinVar variation 1794066 (VCV001794066.2), dbSNP rs2089950628, ClinGen allele CA371159610.